The following is an entry in ClinVar:

NM_000088.4(COL1A1):c.2991del (p.Gly998fs)

Gene: COL1A1 (collagen type I alpha 1 chain; minus strand). Cytogenetic location: 17q21.33.
Variant type: Deletion.
Coding change: c.2991del on transcript NM_000088.4 (MANE Select); coding-DNA position 2991, one base deleted (T; older notation c.2991delT).
Protein change: p.Gly998fs; shifts the reading frame from glycine 998.
Molecular consequence: frameshift variant.
Genome position (GRCh38, 1-based): chr17:50,188,957, A deleted on the plus strand (T on the coding strand, the reverse complement: COL1A1 is on the minus strand). VCF-style (leftmost placement, unchanged base first): chr17-50188956-CA-C. GRCh37 (hg19) VCF-style: chr17-48266317-CA-C.
Other names: short protein forms G998fs.
Identifiers: ClinVar variation 283342 (VCV000283342.10), dbSNP rs886042603, ClinGen allele CA10604466.

ClinVar aggregate classification (germline): Pathogenic. Review status: criteria provided, multiple submitters, no conflicts (2 of 4 stars). 4 submissions from 4 submitters: Pathogenic (4). Last evaluated 2025-07-27.

Conditions:
Osteogenesis imperfecta type I (OI1). Also called: Lobstein's Disease; Lobstein disease; Osteogenesis imperfecta type 1; Classic Non-deforming Osteogenesis Imperfecta with Blue Sclerae; OI, TYPE I; OSTEOGENESIS IMPERFECTA TARDA. Identifiers: Orphanet 216796, Orphanet 666, MedGen C0023931, MONDO:0008146, OMIM 166200. Disease mechanism: loss of function.

Submissions (4):

Labcorp Genetics (formerly Invitae), Labcorp
Classification: Pathogenic for Osteogenesis imperfecta type I. Last evaluated: 2025-07-27. Review status: criteria provided, single submitter. Criteria: Invitae Variant Classification Sherloc (09022015). Collection method: clinical testing. Allele origin: germline.
Comment: This sequence change creates a premature translational stop signal (p.Gly998Valfs*110) in the COL1A1 gene. It is expected to result in an absent or disrupted protein product. Loss-of-function variants in COL1A1 are known to be pathogenic (PMID: 7942841, 9295084, 9443882). This variant is not present in population databases (gnomAD no frequency). This premature translational stop signal has been observed in individual(s) with osteogenesis imperfecta (PMID: 21667357). ClinVar contains an entry for this variant (Variation ID: 283342). For these reasons, this variant has been classified as Pathogenic.

GeneDx
Classification: Pathogenic. Last evaluated: 2025-03-25. Review status: criteria provided, single submitter. Criteria: GeneDx Variant Classification Process June 2021. Collection method: clinical testing. Allele origin: germline. Affected: yes.
Comment: Identified in patients with with type I OI in published literature (PMID: 21667357, 22753364); De novo variant with and without confirmed parentage in unrelated patients with features of COL1A1-related classic non-deforming osteogenesis imperfecta referred for genetic testing at GeneDx; Frameshift variant predicted to result in protein truncation or nonsense mediated decay in a gene for which loss of function is a known mechanism of disease; Not observed at significant frequency in large population cohorts (gnomAD); This variant is associated with the following publications: (PMID: 35909573, 36951356, 22753364, 21667357)

3billion
Classification: Pathogenic for Osteogenesis imperfecta type I. Last evaluated: 2023-10-06. Review status: criteria provided, single submitter. Criteria: ACMG Guidelines, 2015. Collection method: clinical testing. Allele origin: germline. Affected: yes.
Comment: The variant is not observed in the gnomAD v2.1.1 dataset. Predicted Consequence/Location: Frameshift: predicted to result in a loss or disruption of normal protein function through nonsense-mediated decay (NMD) or protein truncation. Multiple pathogenic variants are reported downstream of the variant. The variant has been reported at least twice as pathogenic with clinical assertions and evidence for the classification (ClinVar ID: VCV000283342 /PMID: 21667357). Therefore, this variant is classified as Pathogenic according to the recommendation of ACMG/AMP guideline.

Eurofins Ntd Llc (ga)
Classification: Pathogenic. Last evaluated: 2015-10-05. Review status: criteria provided, single submitter. Criteria: EGL Classification Definitions 2015. Collection method: clinical testing. Allele origin: germline. Observed: 1 variant allele, 1 heterozygote.

Literature cited by the submitters: PubMed 7942841 (cited by Labcorp Genetics (formerly Invitae), Labcorp); PubMed 9295084 (cited by Labcorp Genetics (formerly Invitae), Labcorp); PubMed 9443882 (cited by Labcorp Genetics (formerly Invitae), Labcorp); PubMed 21667357 (cited by 3 submitters); PubMed 22753364 (cited by Eurofins Ntd Llc (ga)).